The following is an entry in ClinVar:

ClinVar aggregate classification (germline): Likely pathogenic (1 of 4 stars; one submission).

Conditions:
Walker-Warburg congenital muscular dystrophy. Also called: Muscular dystrophy-dystroglycanopathy, type A; Walker-Warburg syndrome. Identifiers: Orphanet 899, MedGen C0265221, MONDO:0000171.

Allele frequency attached by ClinVar (database versions not stated): gnomAD exomes below 0.00001.

Submission:

Labcorp Genetics (formerly Invitae), Labcorp
Classification: Likely pathogenic for Walker-Warburg congenital muscular dystrophy. Last evaluated: 2022-08-22. Review status: criteria provided, single submitter. Criteria: Invitae Variant Classification Sherloc (09022015). Collection method: clinical testing. Allele origin: germline.
Comment: In summary, the currently available evidence indicates that the variant is pathogenic, but additional data are needed to prove that conclusively. Therefore, this variant has been classified as Likely Pathogenic. This variant disrupts the p.Pro462 amino acid residue in FKRP. Other variant(s) that disrupt this residue have been determined to be pathogenic (PMID: 12666124, 16344347, 30919934). This suggests that this residue is clinically significant, and that variants that disrupt this residue are likely to be disease-causing. Advanced modeling of protein sequence and biophysical properties (such as structural, functional, and spatial information, amino acid conservation, physicochemical variation, residue mobility, and thermodynamic stability) performed at Invitae indicates that this missense variant is expected to disrupt FKRP protein function. This variant has not been reported in the literature in individuals affected with FKRP-related conditions. This variant is not present in population databases (gnomAD no frequency). This sequence change replaces proline, which is neutral and non-polar, with leucine, which is neutral and non-polar, at codon 462 of the FKRP protein (p.Pro462Leu).

Literature cited by the submitters: PubMed 12666124; PubMed 16344347; PubMed 30919934.

NM_024301.5(FKRP):c.1385C>T (p.Pro462Leu)

Gene: FKRP (fukutin related protein; plus strand). Cytogenetic location: 19q13.32.
Variant type: single nucleotide variant.
Coding change: c.1385C>T on transcript NM_024301.5 (MANE Select); coding-DNA position 1385, C replaced by T.
Protein change: p.Pro462Leu; replaces proline 462 with leucine.
Molecular consequence: missense variant.
Genome position (GRCh38, 1-based): chr19:46,756,835, C>T. VCF-style: chr19-46756835-C-T. GRCh37 (hg19) VCF-style: chr19-47260092-C-T.
Other names: c.1385C>T, p.Pro462Leu (NM_001039885.3); short protein forms P462L.
Identifiers: ClinVar variation 2134240 (VCV002134240.4), dbSNP rs2513999779, ClinGen allele CA406497258.